The following is an entry in ClinVar:

NM_018979.4(WNK1):c.2222A>G (p.Gln741Arg)

Gene: WNK1 (WNK lysine deficient protein kinase 1; plus strand). Cytogenetic location: 12p13.33.
Variant type: single nucleotide variant.
Coding change: c.2222A>G on transcript NM_018979.4 (MANE Select); coding-DNA position 2222, A replaced by G.
Protein change: p.Gln741Arg; replaces glutamine 741 with arginine.
Molecular consequence: missense variant.
Genome position (GRCh38, 1-based): chr12:871,347, A>G. VCF-style: chr12-871347-A-G. GRCh37 (hg19) VCF-style: chr12-980513-A-G.
Other names: c.3461A>G, p.Gln1154Arg (NM_001184985.2); c.2222A>G, p.Gln741Arg (NM_014823.3); c.3716A>G, p.Gln1239Arg (NM_213655.5); short protein forms Q1239R, Q741R, Q1154R.
Identifiers: ClinVar variation 2154956 (VCV002154956.4), dbSNP rs979483248, ClinGen allele CA231502363.

ClinVar aggregate classification (germline): Uncertain significance (1 of 4 stars; one submission).

Conditions:
Neuropathy, hereditary sensory and autonomic, type 2A (HSAN2A). Also called: ACROOSTEOLYSIS, GIACCAI TYPE; ACROOSTEOLYSIS, NEUROGENIC; MORVAN DISEASE; NEUROPATHY, CONGENITAL SENSORY; NEUROPATHY, HEREDITARY SENSORY RADICULAR, AUTOSOMAL RECESSIVE; NEUROPATHY, HEREDITARY SENSORY, TYPE IIA. Identifiers: Orphanet 970, MedGen C2752089, MONDO:0024309, OMIM 201300.
Pseudohypoaldosteronism type 2C (PHA2C). Also called: Pseudohypoaldosteronism Type IIC. Identifiers: Orphanet 757, Orphanet 88940, MedGen C1840391, MONDO:0013778, OMIM 614492.

gnomAD v4.1: 3 of 1,614,052 alleles (0.00019%); highest among the groups gnomAD compares: Non-Finnish European, 0.00025%; no homozygotes.

Submission:

Labcorp Genetics (formerly Invitae), Labcorp
Classification: Uncertain significance for Neuropathy, hereditary sensory and autonomic, type 2A; Pseudohypoaldosteronism type 2C. Last evaluated: 2022-09-27. Review status: criteria provided, single submitter. Criteria: Invitae Variant Classification Sherloc (09022015). Collection method: clinical testing. Allele origin: germline.
Comment: This variant is not present in population databases (gnomAD no frequency). This variant has not been reported in the literature in individuals affected with WNK1-related conditions. Algorithms developed to predict the effect of missense changes on protein structure and function are either unavailable or do not agree on the potential impact of this missense change (SIFT: "Tolerated"; PolyPhen-2: "Not Available"; Align-GVGD: "Class C0"). Algorithms developed to predict the effect of sequence changes on RNA splicing suggest that this variant may disrupt the consensus splice site. In summary, the available evidence is currently insufficient to determine the role of this variant in disease. Therefore, it has been classified as a Variant of Uncertain Significance. This sequence change replaces glutamine, which is neutral and polar, with arginine, which is basic and polar, at codon 1239 of the WNK1 protein (p.Gln1239Arg).